The following is an entry in ClinVar:

ClinVar aggregate classification (germline): Uncertain significance (1 of 4 stars; one submission).

Conditions:
Hereditary pancreatitis (PCTT). Also called: PRSS1-Related Hereditary Pancreatitis; Hereditary chronic pancreatitis. Identifiers: Orphanet 676, MedGen C0238339, MONDO:0008185, OMIM 167800.

Submission:

Ambry Genetics
Classification: Uncertain significance for Hereditary pancreatitis. Last evaluated: 2024-05-12. Review status: criteria provided, single submitter. Criteria: Ambry Variant Classification Scheme 2023. Collection method: clinical testing. Allele origin: germline.
Comment: The p.Q56H variant (also known as c.168G>T), located in coding exon 2 of the PRSS1 gene, results from a G to T substitution at nucleotide position 168. The glutamine at codon 56 is replaced by histidine, an amino acid with highly similar properties. This amino acid position is conserved. In addition, the in silico prediction for this alteration is inconclusive. Based on the available evidence, the clinical significance of this variant remains unclear.

NM_002769.5(PRSS1):c.168G>T (p.Gln56His)

Genes: PRSS1 (serine protease 1; plus strand), TRB (T cell receptor beta locus; plus strand). Cytogenetic location: 7q34.
Variant type: single nucleotide variant.
Coding change: c.168G>T on transcript NM_002769.5 (MANE Select); coding-DNA position 168, G replaced by T.
Protein change: p.Gln56His; replaces glutamine 56 with histidine.
Molecular consequence: missense variant. On other transcripts: non-coding transcript variant (4).
Genome position (GRCh38, 1-based): chr7:142,750,682, G>T. VCF-style: chr7-142750682-G-T. GRCh37 (hg19) VCF-style: chr7-142458533-G-T.
Other names: short protein forms Q56H.
Identifiers: ClinVar variation 3310652 (VCV003310652.1).